The following is an entry in ClinVar:

ClinVar aggregate classification (germline): Conflicting classifications of pathogenicity. Review status: criteria provided, conflicting classifications (1 of 4 stars). 3 submissions from 3 submitters: Uncertain significance (2); Likely benign (1). Last evaluated 2024-11-06.

Allele frequency attached by ClinVar (database versions not stated): ExAC 0.00001; gnomAD exomes 0.00001; gnomAD 0.00002; TOPMed 0.00005.
gnomAD v4.1: 8 of 1,613,840 alleles (0.0005%); highest among the groups gnomAD compares: African/African-American, 0.0053%; no homozygotes.

Submissions (3):

Women's Health and Genetics/Laboratory Corporation of America, LabCorp
Classification: Uncertain significance. Last evaluated: 2024-11-06. Review status: criteria provided, single submitter. Criteria: LabCorp Variant Classification Summary - May 2015. Collection method: clinical testing. Allele origin: germline.
Comment: Variant summary: ATR c.1626A>G alters a non-conserved nucleotide resulting in a synonymous change. Several computational tools predict a significant impact on normal splicing: Three predict the variant creates a 5' donor site. However, these predictions have yet to be confirmed by functional studies. The variant allele was found at a frequency of 1.2e-05 in 251332 control chromosomes. The available data on variant occurrences in the general population are insufficient to allow any conclusion about variant significance. To our knowledge, no occurrence of c.1626A>G in individuals affected with Hereditary Breast And Ovarian Cancer Syndrome and no experimental evidence demonstrating its impact on protein function have been reported. ClinVar contains an entry for this variant (Variation ID: 434457). Based on the evidence outlined above, the variant was classified as uncertain significance.

Labcorp Genetics (formerly Invitae), Labcorp
Classification: Likely benign. Last evaluated: 2024-03-10. Review status: criteria provided, single submitter. Criteria: Invitae Variant Classification Sherloc (09022015). Collection method: clinical testing. Allele origin: germline.

Genetic Services Laboratory, University of Chicago
Classification: Uncertain significance. Last evaluated: 2015-09-24. Review status: criteria provided, single submitter. Criteria: ACMG Guidelines, 2015. Collection method: clinical testing. Allele origin: germline. Affected: no.

NM_001184.4(ATR):c.1626A>G (p.Lys542=)

Gene: ATR (ATR checkpoint kinase; minus strand). Cytogenetic location: 3q23.
Variant type: single nucleotide variant.
Coding change: c.1626A>G on transcript NM_001184.4 (MANE Select); coding-DNA position 1626, A replaced by G.
Protein change: p.Lys542=; no amino-acid change (lysine 542 retained).
Molecular consequence: synonymous variant.
Genome position (GRCh38, 1-based): chr3:142,559,357, T>C on the plus strand (A>G on the coding strand, the complement: ATR is on the minus strand). VCF-style: chr3-142559357-T-C. GRCh37 (hg19) VCF-style: chr3-142278199-T-C.
Other names: c.1434A>G, p.Lys478= (NM_001354579.2).
Identifiers: ClinVar variation 434457 (VCV000434457.11), dbSNP rs762125386, ClinGen allele CA2650545.